The following is an entry in ClinVar:

ClinVar aggregate classification (germline): Uncertain significance. Review status: criteria provided, multiple submitters, no conflicts (2 of 4 stars). 2 submissions from 2 submitters: Uncertain significance (2). Last evaluated 2024-01-03.

Conditions:
Encephalopathy, acute, infection-induced (herpes-specific), susceptibility to, 1. Also called: Herpes simplex encephalitis, susceptibility to, 1. Identifiers: Orphanet 1930, MedGen C2750180, MONDO:0024563, OMIM 610551.

Allele frequency attached by ClinVar (database versions not stated): ESP Exome Variant Server 0.00040; gnomAD 0.00029 and 0.00030; TOPMed 0.00025; ExAC 0.00036; gnomAD exomes 0.00049 and 0.00020.
gnomAD v4.1: 771 of 1,595,144 alleles (0.048%); highest among the groups gnomAD compares: Non-Finnish European, 0.061%; no homozygotes.

Submissions (2):

Ambry Genetics
Classification: Uncertain significance. Last evaluated: 2024-01-03. Review status: criteria provided, single submitter. Criteria: Ambry Variant Classification Scheme 2023. Collection method: clinical testing. Allele origin: germline.

Labcorp Genetics (formerly Invitae), Labcorp
Classification: Uncertain significance for Encephalopathy, acute, infection-induced (herpes-specific), susceptibility to, 1. Last evaluated: 2022-10-17. Review status: criteria provided, single submitter. Criteria: Invitae Variant Classification Sherloc (09022015). Collection method: clinical testing. Allele origin: germline.
Comment: This sequence change replaces serine, which is neutral and polar, with leucine, which is neutral and non-polar, at codon 164 of the UNC93B1 protein (p.Ser164Leu). This variant is present in population databases (rs201765730, gnomAD 0.04%). This variant has not been reported in the literature in individuals affected with UNC93B1-related conditions. ClinVar contains an entry for this variant (Variation ID: 665493). Experimental studies and prediction algorithms are not available or were not evaluated, and the functional significance of this variant is currently unknown. In summary, the available evidence is currently insufficient to determine the role of this variant in disease. Therefore, it has been classified as a Variant of Uncertain Significance.

NM_030930.4(UNC93B1):c.491C>T (p.Ser164Leu)

Gene: UNC93B1 (unc-93B1 regulator of TLR signaling; minus strand). Cytogenetic location: 11q13.2.
Variant type: single nucleotide variant.
Coding change: c.491C>T on transcript NM_030930.4 (MANE Select); coding-DNA position 491, C replaced by T.
Protein change: p.Ser164Leu; replaces serine 164 with leucine.
Molecular consequence: missense variant.
Genome position (GRCh38, 1-based): chr11:67,999,582, G>A on the plus strand (C>T on the coding strand, the complement: UNC93B1 is on the minus strand). VCF-style: chr11-67999582-G-A. GRCh37 (hg19) VCF-style: chr11-67767052-G-A.
Other names: c.491C>T (NM_030930.2); short protein forms S164L.
Identifiers: ClinVar variation 665493 (VCV000665493.6), dbSNP rs201765730, ClinGen allele CA6145644.